The following is an entry in ClinVar:

ClinVar aggregate classification (germline): Uncertain significance. Review status: criteria provided, multiple submitters, no conflicts (2 of 4 stars). 2 submissions from 2 submitters: Uncertain significance (2). Last evaluated 2024-10-04.

Conditions:
Methylmalonic aciduria and homocystinuria type cblF. Also called: VITAMIN B12 LYSOSOMAL RELEASE DEFECT; VITAMIN B12 STORAGE DISEASE; COBALAMIN F DISEASE; COBALAMIN, DEFECT IN LYSOSOMAL RELEASE OF; METHYLMALONIC ACIDEMIA AND HOMOCYSTINURIA, cblF TYPE; METHYLMALONIC ACIDURIA DUE TO VITAMIN B12-RELEASE DEFECT. Identifiers: Orphanet 79284, MedGen C1848578, MONDO:0010183, OMIM 277380.

Allele frequency attached by ClinVar (database versions not stated): gnomAD 0.00003 and 0.00004; TOPMed 0.00003; ExAC 0.00006; ESP Exome Variant Server 0.00031.
gnomAD v4.1: 69 of 1,613,790 alleles (0.0043%); highest among the groups gnomAD compares: Non-Finnish European, 0.0055%; no homozygotes.

Submissions (2):

Blueprint Genetics
Classification: Uncertain significance. Last evaluated: 2024-10-04. Review status: criteria provided, single submitter. Criteria: ACMG Guidelines, 2015. Collection method: clinical testing. Allele origin: germline.

Labcorp Genetics (formerly Invitae), Labcorp
Classification: Uncertain significance for Methylmalonic aciduria and homocystinuria type cblF. Last evaluated: 2022-08-06. Review status: criteria provided, single submitter. Criteria: Invitae Variant Classification Sherloc (09022015). Collection method: clinical testing. Allele origin: germline.
Comment: This sequence change replaces arginine, which is basic and polar, with histidine, which is basic and polar, at codon 34 of the LMBRD1 protein (p.Arg34His). This variant is present in population databases (rs150831620, gnomAD 0.01%). This variant has not been reported in the literature in individuals affected with LMBRD1-related conditions. ClinVar contains an entry for this variant (Variation ID: 1408824). Algorithms developed to predict the effect of missense changes on protein structure and function (SIFT, PolyPhen-2, Align-GVGD) all suggest that this variant is likely to be disruptive. In summary, the available evidence is currently insufficient to determine the role of this variant in disease. Therefore, it has been classified as a Variant of Uncertain Significance.

NM_018368.4(LMBRD1):c.101G>A (p.Arg34His)

Gene: LMBRD1 (LMBR1 domain containing 1; minus strand). Cytogenetic location: 6q13.
Variant type: single nucleotide variant.
Coding change: c.101G>A on transcript NM_018368.4 (MANE Select); coding-DNA position 101, G replaced by A.
Protein change: p.Arg34His; replaces arginine 34 with histidine.
Molecular consequence: missense variant. On other transcripts: 5 prime UTR variant (3).
Genome position (GRCh38, 1-based): chr6:69,790,441, C>T on the plus strand (G>A on the coding strand, the complement: LMBRD1 is on the minus strand). VCF-style: chr6-69790441-C-T. GRCh37 (hg19) VCF-style: chr6-70500333-C-T.
Other names: c.-119G>A (NM_001363722.2, NM_001367271.1, NM_001367272.1); short protein forms R34H.
Identifiers: ClinVar variation 1408824 (VCV001408824.4), dbSNP rs150831620, ClinGen allele CA3879999.